The following is an entry in ClinVar:

ClinVar aggregate classification (germline): Uncertain significance. Review status: criteria provided, multiple submitters, no conflicts (2 of 4 stars). 2 submissions from 2 submitters: Uncertain significance (2). Last evaluated 2025-08-17.

Conditions:
Tatton-Brown-Rahman overgrowth syndrome. Also called: Tall stature-intellectual disability-facial dysmorphism syndrome; Tatton-Brown-Rahman syndrome. Identifiers: Orphanet 404443, MedGen C4014545, MONDO:0014382, OMIM 615879.

Allele frequency attached by ClinVar (database versions not stated): gnomAD 0.00003; 1000 Genomes Project 30x 0.00016; 1000 Genomes Project 0.00020.
gnomAD v4.1: 30 of 1,608,444 alleles (0.0019%); highest among the groups gnomAD compares: Admixed American, 0.0034%; no homozygotes.

Submissions (2):

Labcorp Genetics (formerly Invitae), Labcorp
Classification: Uncertain significance for Tatton-Brown-Rahman overgrowth syndrome. Last evaluated: 2025-08-17. Review status: criteria provided, single submitter. Criteria: Invitae Variant Classification Sherloc (09022015). Collection method: clinical testing. Allele origin: germline.
Comment: This sequence change replaces arginine, which is basic and polar, with tryptophan, which is neutral and slightly polar, at codon 729 of the DNMT3A protein (p.Arg729Trp). The frequency data for this variant in the population databases is considered unreliable, as metrics indicate poor data quality at this position in the gnomAD database. This missense change has been observed in individual(s) with developmental delays (PMID: 33057194). ClinVar contains an entry for this variant (Variation ID: 1712185). Invitae Evidence Modeling of protein sequence and biophysical properties (such as structural, functional, and spatial information, amino acid conservation, physicochemical variation, residue mobility, and thermodynamic stability) indicates that this missense variant is expected to disrupt DNMT3A protein function with a positive predictive value of 95%. Experimental studies have shown that this missense change affects DNMT3A function (PMID: 22722925). In summary, the available evidence is currently insufficient to determine the role of this variant in disease. Therefore, it has been classified as a Variant of Uncertain Significance.

GeneDx
Classification: Uncertain significance. Last evaluated: 2022-04-20. Review status: criteria provided, single submitter. Criteria: GeneDx Variant Classification Process June 2021. Collection method: clinical testing. Allele origin: germline. Affected: yes.
Comment: In silico analysis supports that this missense variant has a deleterious effect on protein structure/function; Has not been previously published as a pathogenic or benign germline variant to our knowledge; This variant is associated with the following publications: (PMID: 33838631, 34429321, 27475703, 31861499, Mun2021[CaseReport], 35236052, vanDeuren2021[CaseReport], 34587721, 33138022, 22722925, 23507483, 25964253, 32561076, 32577167, 32994141, LOOVERS2016[CaseReport], 32736382)

Literature cited by the submitters: PubMed 33057194 (cited by Labcorp Genetics (formerly Invitae), Labcorp); PubMed 22722925 (cited by Labcorp Genetics (formerly Invitae), Labcorp).

NM_022552.5(DNMT3A):c.2185C>T (p.Arg729Trp)

Gene: DNMT3A (DNA methyltransferase 3 alpha; minus strand). Cytogenetic location: 2p23.3.
Variant type: single nucleotide variant.
Coding change: c.2185C>T on transcript NM_022552.5 (MANE Select); coding-DNA position 2185, C replaced by T.
Protein change: p.Arg729Trp; replaces arginine 729 with tryptophan.
Molecular consequence: missense variant. On other transcripts: non-coding transcript variant (1).
Genome position (GRCh38, 1-based): chr2:25,240,439, G>A on the plus strand (C>T on the coding strand, the complement: DNMT3A is on the minus strand). VCF-style: chr2-25240439-G-A. GRCh37 (hg19) VCF-style: chr2-25463308-G-A.
Other names: c.1516C>T, p.Arg506Trp (NM_001375819.1); c.1618C>T, p.Arg540Trp (NM_153759.3); c.2185C>T, p.Arg729Trp (NM_175629.2); c.1729C>T, p.Arg577Trp (NM_001320893.1); short protein forms R506W, R540W, R577W, R729W.
Identifiers: ClinVar variation 1712185 (VCV001712185.4), dbSNP rs200018028, ClinGen allele CA1555718.